The following is an entry in ClinVar:

NM_017849.4(TMEM127):c.283_284del (p.Val95fs)

Gene: TMEM127 (transmembrane protein 127; minus strand). Cytogenetic location: 2q11.2.
Variant type: Deletion.
Coding change: c.283_284del on transcript NM_017849.4 (MANE Select); coding-DNA positions 283 to 284, 2 bases deleted (GT; older notation c.283_284delGT).
Protein change: p.Val95fs; shifts the reading frame from valine 95.
Molecular consequence: frameshift variant.
Genome position (GRCh38, 1-based): chr2:96,254,958-96,254,959, AC deleted on the plus strand (GT on the coding strand, the reverse complement: TMEM127 is on the minus strand). VCF-style (leftmost placement, unchanged base first): chr2-96254957-GAC-G. GRCh37 (hg19) VCF-style: chr2-96920695-GAC-G.
Other names: c.283_284del, p.Val95fs (NM_001193304.3); c.31_32del, p.Val11fs (NM_001407282.1, NM_001407283.1); short protein forms V11fs, V95fs.
Identifiers: ClinVar variation 4720434 (VCV004720434.1).
Genomic context (GRCh38, chr2:96,254,957, plus strand): 5'-GACATCCAGAAGGAAAGCGGAGAGACTACACAGGATGCCCAGGAAACAGAAGGCGGCGAT[GAC>G]CCGCAGGAGCAGCACTGTCTGGGGATTCATGCAGAAATCTGTAGAGGGAGAACCAAATTT-3'

ClinVar aggregate classification (germline): Pathogenic (1 of 4 stars; one submission).

Conditions:
Hereditary pheochromocytoma and paraganglioma. Also called: Hereditary pheochromocytoma-paraganglioma; Hereditary Paraganglioma-Pheochromocytoma Syndromes; Hereditary paragangliomas and pheochromocytomas. Identifiers: Orphanet 29072, MedGen C4274332, MONDO:0017366.

Submission:

Labcorp Genetics (formerly Invitae), Labcorp
Classification: Pathogenic for Hereditary pheochromocytoma and paraganglioma. Last evaluated: 2025-05-29. Review status: criteria provided, single submitter. Criteria: Invitae Variant Classification Sherloc (09022015). Collection method: clinical testing. Allele origin: germline.
Comment: This sequence change creates a premature translational stop signal (p.Val95Hisfs*12) in the TMEM127 gene. It is expected to result in an absent or disrupted protein product. Loss-of-function variants in TMEM127 are known to be pathogenic (PMID: 20154675, 21156949). This variant is not present in population databases (gnomAD no frequency). This variant has not been reported in the literature in individuals affected with TMEM127-related conditions. For these reasons, this variant has been classified as Pathogenic.

Literature cited by the submitters: PubMed 20154675; PubMed 21156949.